The following is an entry in ClinVar:

ClinVar aggregate classification (germline): Uncertain significance (1 of 4 stars; one submission).

Submission:

Women's Health and Genetics/Laboratory Corporation of America, LabCorp
Classification: Uncertain significance. Last evaluated: 2026-04-14. Review status: criteria provided, single submitter. Criteria: LabCorp Variant Classification Summary - May 2015. Collection method: clinical testing. Allele origin: germline.
Comment: Variant summary: TTN c.83899G>T (p.Gly27967Cys) results in a non-conservative amino acid change in the encoded protein sequence. Algorithms developed to predict the effect of missense changes on protein structure and function are either unavailable or do not agree on the potential impact of this missense change. The variant was absent in 248184 control chromosomes. The available data on variant occurrences in the general population are insufficient to allow any conclusion about variant significance. To our knowledge, no occurrence of c.83899G>T in individuals affected with TTN-related conditions and no experimental evidence demonstrating its impact on protein function have been reported. No submitters have cited clinical-significance assessments for this variant to ClinVar. Based on the evidence outlined above, the variant was classified as uncertain significance.

NM_001267550.2(TTN):c.91603G>T (p.Gly30535Cys)

Genes: TTN (titin; minus strand), TTN-AS1 (TTN antisense RNA 1; plus strand). Cytogenetic location: 2q31.2.
Variant type: single nucleotide variant.
Coding change: c.91603G>T on transcript NM_001267550.2 (MANE Select); coding-DNA position 91603, G replaced by T.
Protein change: p.Gly30535Cys; replaces glycine 30535 with cysteine.
Molecular consequence: missense variant.
Genome position (GRCh38, 1-based): chr2:178,550,235, C>A on the plus strand (G>T on the coding strand, the complement: TTN is on the minus strand). VCF-style: chr2-178550235-C-A. GRCh37 (hg19) VCF-style: chr2-179414962-C-A.
Other names: c.86680G>T, p.Gly28894Cys (NM_001256850.1); c.64408G>T, p.Gly21470Cys (NM_003319.4); c.83899G>T, p.Gly27967Cys (NM_133378.4); c.64783G>T, p.Gly21595Cys (NM_133432.3); c.64984G>T, p.Gly21662Cys (NM_133437.4); short protein forms G21470C, G21595C, G21662C, G27967C, G28894C, G30535C.
Identifiers: ClinVar variation 4848605 (VCV004848605.1).